The following is an entry in ClinVar:

NM_005762.3(TRIM28):c.1119C>G (p.His373Gln)

Gene: TRIM28 (tripartite motif containing 28; plus strand). Cytogenetic location: 19q13.43.
Variant type: single nucleotide variant.
Coding change: c.1119C>G on transcript NM_005762.3 (MANE Select); coding-DNA position 1119, C replaced by G.
Protein change: p.His373Gln; replaces histidine 373 with glutamine.
Molecular consequence: missense variant.
Genome position (GRCh38, 1-based): chr19:58,548,311, C>G. VCF-style: chr19-58548311-C-G. GRCh37 (hg19) VCF-style: chr19-59059678-C-G.
Other names: short protein forms H373Q.
Identifiers: ClinVar variation 1310120 (VCV001310120.5), dbSNP rs1009474336, ClinGen allele CA310610849.

ClinVar aggregate classification (germline): Uncertain significance. Review status: criteria provided, multiple submitters, no conflicts (2 of 4 stars). 3 submissions from 3 submitters: Uncertain significance (3). Last evaluated 2025-03-31.

Allele frequency attached by ClinVar (database versions not stated): gnomAD exomes below 0.00001; TOPMed 0.00002; gnomAD 0.00003.
gnomAD v4.1: 10 of 1,614,012 alleles (0.00062%); highest among the groups gnomAD compares: African/African-American, 0.0053%; no homozygotes.

Submissions (3):

Labcorp Genetics (formerly Invitae), Labcorp
Classification: Uncertain significance. Last evaluated: 2025-03-31. Review status: criteria provided, single submitter. Criteria: Invitae Variant Classification Sherloc (09022015). Collection method: clinical testing. Allele origin: germline.
Comment: This sequence change replaces histidine, which is basic and polar, with glutamine, which is neutral and polar, at codon 373 of the TRIM28 protein (p.His373Gln). This variant is present in population databases (no rsID available, gnomAD 0.02%). This variant has not been reported in the literature in individuals affected with TRIM28-related conditions. ClinVar contains an entry for this variant (Variation ID: 1310120). Experimental studies and prediction algorithms are not available or were not evaluated, and the functional significance of this variant is currently unknown. In summary, the available evidence is currently insufficient to determine the role of this variant in disease. Therefore, it has been classified as a Variant of Uncertain Significance.

Ambry Genetics
Classification: Uncertain significance. Last evaluated: 2023-03-01. Review status: criteria provided, single submitter. Criteria: Ambry Variant Classification Scheme 2023. Collection method: clinical testing. Allele origin: germline.

GeneDx
Classification: Uncertain significance. Last evaluated: 2019-11-08. Review status: criteria provided, single submitter. Criteria: GeneDx Variant Classification Process June 2021. Collection method: clinical testing. Allele origin: germline. Affected: yes.
Comment: Has not been previously published as pathogenic or benign to our knowledge; In silico analysis, which includes protein predictors and evolutionary conservation, supports that this variant does not alter protein structure/function